The following is an entry in ClinVar:

NM_000038.6(APC):c.1419G>A (p.Gln473=)

Gene: APC (APC regulator of Wnt signaling pathway; plus strand). Cytogenetic location: 5q22.2.
Variant type: single nucleotide variant.
Coding change: c.1419G>A on transcript NM_000038.6 (MANE Select); coding-DNA position 1419, G replaced by A.
Protein change: p.Gln473=; no amino-acid change (glutamine 473 retained).
Molecular consequence: synonymous variant.
Genome position (GRCh38, 1-based): chr5:112,827,118, G>A. VCF-style: chr5-112827118-G-A. GRCh37 (hg19) VCF-style: chr5-112162815-G-A.
Other names: p.Q473Q:CAG>CAA; c.1419G>A, p.Gln473= (NM_001127510.3, NM_001354895.2); c.1365G>A, p.Gln455= (NM_001127511.3); c.1473G>A, p.Gln491= (NM_001354896.2); c.1449G>A, p.Gln483= (NM_001354897.2); c.1344G>A, p.Gln448= (NM_001354898.2); c.1335G>A, p.Gln445= (NM_001354899.2); c.1296G>A, p.Gln432= (NM_001354900.2); and 6 more.
Identifiers: ClinVar variation 136405 (VCV000136405.56), dbSNP rs141579422, ClinGen allele CA005134.

ClinVar aggregate classification (germline): Benign/Likely benign. Review status: criteria provided, multiple submitters, no conflicts (2 of 4 stars). 15 submissions from 15 submitters: Benign (7); Likely benign (5). 3 of the submissions do not count toward it. Last evaluated 2026-02-03.

Conditions:
Classic or attenuated familial adenomatous polyposis. Identifiers: MedGen CN372698, MONDO:0021057.
Hereditary cancer-predisposing syndrome. Also called: Tumor predisposition; Hereditary neoplastic syndrome; Hereditary Cancer Syndrome; Neoplastic Syndromes, Hereditary. Identifiers: Orphanet 140162, MedGen C0027672, MeSH D009386, MONDO:0015356.
Familial adenomatous polyposis 1 (FAP1). Also called: POLYPOSIS, ADENOMATOUS INTESTINAL; FAMILIAL ADENOMATOUS POLYPOSIS 1, ATTENUATED. Identifiers: MedGen C2713442, MONDO:0021056, OMIM 175100. Disease mechanism: loss of function.

Allele frequency attached by ClinVar (database versions not stated): gnomAD 0.00010 and 0.00021; ESP Exome Variant Server 0.00015; gnomAD exomes 0.00016 and 0.00021; ExAC 0.00017; TOPMed 0.00024.
gnomAD v4.1: 259 of 1,613,470 alleles (0.016%); highest among the groups gnomAD compares: Admixed American, 0.037%; 1 homozygote.

Submissions (15):

Labcorp Genetics (formerly Invitae), Labcorp
Classification: Benign for Familial adenomatous polyposis 1. Last evaluated: 2026-02-03. Review status: criteria provided, single submitter. Criteria: Invitae Variant Classification Sherloc (09022015). Collection method: clinical testing. Allele origin: germline.

Blueprint Genetics
Classification: Likely benign. Last evaluated: 2024-11-12. Review status: criteria provided, single submitter. Criteria: ACMG Guidelines, 2015. Collection method: clinical testing. Allele origin: germline.

All of Us Research Program, National Institutes of Health
Classification: Likely benign for Classic or attenuated familial adenomatous polyposis. Last evaluated: 2024-01-12. Review status: criteria provided, single submitter. Criteria: ACMG Guidelines, 2015. Collection method: clinical testing. Allele origin: germline. Inheritance: Autosomal dominant inheritance. Observed: 46 variant alleles, 46 heterozygotes.
Comment: This study involves interpretation of variants in research participants for the purpose of population health screening. Participant phenotype was not available at the time of variant classification. Additional details can be found in publication PMID: 35346344, PMCID: PMC8962531

CeGaT Center for Human Genetics Tuebingen
Classification: Likely benign. Last evaluated: 2023-05-01. Review status: criteria provided, single submitter. Criteria: CeGaT Center For Human Genetics Tuebingen Variant Classification Criteria Version 2. Collection method: clinical testing. Allele origin: germline. Affected: yes. Observed: 1 variant allele.
Comment: APC: BP4, BS2

Myriad Genetics, Inc.
Classification: Benign for Familial adenomatous polyposis 1. Last evaluated: 2023-02-21. Review status: criteria provided, single submitter. Criteria: Myriad Autosomal Dominant, Autosomal Recessive and X-Linked Classification Criteria (2023). Collection method: clinical testing. Allele origin: unknown.
Comment: This variant is considered benign. This variant is a silent/synonymous amino acid change and it is not expected to impact splicing.

Quest Diagnostics Nichols Institute San Juan Capistrano
Classification: Benign. Last evaluated: 2022-09-26. Review status: criteria provided, single submitter. Criteria: Quest Diagnostics criteria. Collection method: clinical testing. Allele origin: unknown.

Sema4
Classification: Benign for Hereditary cancer-predisposing syndrome. Last evaluated: 2021-10-19. Review status: criteria provided, single submitter. Criteria: Sema4 Curation Guidelines. Collection method: curation. Allele origin: germline.

PreventionGenetics, part of Exact Sciences
Classification: Benign. Last evaluated: 2017-05-15. Review status: criteria provided, single submitter. Criteria: ACMG Guidelines, 2015. Collection method: clinical testing. Allele origin: germline.

Women's Health and Genetics/Laboratory Corporation of America, LabCorp
Classification: Benign. Last evaluated: 2016-07-01. Review status: criteria provided, single submitter. Criteria: LabCorp Variant Classification Summary - May 2015. Collection method: clinical testing. Allele origin: germline.
Comment: Variant summary: The APC c.1419G>A (p.Gln473Gln) variant involves the alteration of a conserved nucleotide, resulting in a synonymous change. One in silico tool predicts a damaging outcome for this variant, and 3/5 splicing algorithms predict no significant change to normal splicing. Transcript analysis revealed that this variant did not disrupt normal splicing (Kaufmann_JMD_2009; PMID: 9669663). This variant was found in 21/120558 control chromosomes at a frequency of 0.0001742, which is approximately 2 times the estimated maximal expected allele frequency of a pathogenic APC variant (0.0000714), suggesting this variant is likely a benign polymorphism. In addition, several clinical diagnostic laboratories classified this variant as benign/likely benign. Taken together, this variant is classified as Benign.

Color Diagnostics, LLC DBA Color Health
Classification: Likely benign for Hereditary cancer-predisposing syndrome. Last evaluated: 2016-06-24. Review status: criteria provided, single submitter. Criteria: ACMG Guidelines, 2015. Collection method: clinical testing. Allele origin: germline.

Ambry Genetics
Classification: Likely benign for Hereditary cancer-predisposing syndrome. Last evaluated: 2014-09-24. Review status: criteria provided, single submitter. Criteria: Ambry Variant Classification Scheme 2023. Collection method: clinical testing. Allele origin: germline.

GeneDx
Classification: Benign. Last evaluated: 2014-05-28. Review status: criteria provided, single submitter. Criteria: GeneDx Variant Classification (06012015). Collection method: clinical testing. Allele origin: germline. Affected: yes.
Comment: This variant is considered likely benign or benign based on one or more of the following criteria: it is a conservative change, it occurs at a poorly conserved position in the protein, it is predicted to be benign by multiple in silico algorithms, and/or has population frequency not consistent with disease.

True Health Diagnostics
Classification: Likely benign for Hereditary cancer-predisposing syndrome. Last evaluated: 2018-05-01. Review status: no assertion criteria provided. Collection method: clinical testing. Allele origin: germline. Not counted in ClinVar's aggregate classification.

Counsyl
Classification: Likely benign for Familial adenomatous polyposis 1. Last evaluated: 2016-07-13. Review status: no assertion criteria provided. Collection method: clinical testing. Allele origin: unknown. Not counted in ClinVar's aggregate classification.

Mayo Clinic Laboratories, Mayo Clinic
Classification: Likely benign. Review status: no assertion criteria provided. Collection method: clinical testing. Allele origin: unknown. Not counted in ClinVar's aggregate classification.

Literature cited by the submitters: PubMed 19196998 (cited by Quest Diagnostics Nichols Institute San Juan Capistrano and Women's Health and Genetics/Laboratory Corporation of America, LabCorp); PubMed 23159591 (cited by 3 submitters); PubMed 9669663 (cited by Quest Diagnostics Nichols Institute San Juan Capistrano).